The following is an entry in ClinVar:

ClinVar aggregate classification (germline): Uncertain significance (1 of 4 stars; one submission).

Conditions:
BBS7-related disorder. Also called: BBS7-related condition.

gnomAD v4.1: 1 of 1,613,938 alleles (0.000062%); highest among the groups gnomAD compares: South Asian, 0.0011%; no homozygotes.

Submission:

PreventionGenetics, part of Exact Sciences
Classification: Uncertain significance for BBS7-related condition. Last evaluated: 2025-05-06. Review status: criteria provided, single submitter. Criteria: ACMG Guidelines, 2015. Collection method: clinical testing. Allele origin: germline.
Comment: The BBS7 c.1868T>C variant is predicted to result in the amino acid substitution p.Val623Ala. To our knowledge, this variant has not been reported in the literature or in a large population database (gnomAD), indicating this variant is rare. At this time, the clinical significance of this variant is uncertain due to the absence of conclusive functional and genetic evidence.

NM_176824.3(BBS7):c.1868T>C (p.Val623Ala)

Gene: BBS7 (Bardet-Biedl syndrome 7; minus strand). Cytogenetic location: 4q27.
Variant type: single nucleotide variant.
Coding change: c.1868T>C on transcript NM_176824.3 (MANE Select); coding-DNA position 1868, T replaced by C.
Protein change: p.Val623Ala; replaces valine 623 with alanine.
Molecular consequence: missense variant.
Genome position (GRCh38, 1-based): chr4:121,828,424, A>G on the plus strand (T>C on the coding strand, the complement: BBS7 is on the minus strand). VCF-style: chr4-121828424-A-G. GRCh37 (hg19) VCF-style: chr4-122749579-A-G.
Other names: c.1868T>C, p.Val623Ala (NM_018190.4); short protein forms V623A.
Identifiers: ClinVar variation 4998551 (VCV004998551.1).
Genomic context (GRCh38, chr4:121,828,424, plus strand): 5'-AATAATAATCACCAGTCCACGACGACACATGTACTTACTTTTAAAGCATCAATTAACTGC[A>G]CTTTCTTAGCCAAAAGCAACTGGTACTCCAGCTTTGGGTGGATTAGCTTTAAAGTGTGTT-3'
Protein context (NP_789794.1, residues 613-633): LEYQLLLAKK[Val623Ala]QLIDALKELQ